The following is an entry in ClinVar:

ClinVar aggregate classification (germline): Likely benign (0 of 4 stars; one submission).

Conditions:
PADI6-related disorder. Also called: PADI6-related condition.

gnomAD v4.1: 19 of 1,613,428 alleles (0.0012%); highest among the groups gnomAD compares: African/African-American, 0.017%; 1 homozygote.

Submission:

PreventionGenetics, part of Exact Sciences
Classification: Likely benign for PADI6-related condition. Last evaluated: 2021-08-06. Review status: no assertion criteria provided. Collection method: clinical testing. Allele origin: germline.
Comment: This variant is classified as likely benign based on ACMG/AMP sequence variant interpretation guidelines (Richards et al. 2015 PMID: 25741868, with internal and published modifications).

NM_207421.4(PADI6):c.711G>C (p.Leu237=)

Gene: PADI6 (peptidyl arginine deiminase 6; plus strand). Cytogenetic location: 1p36.13.
Variant type: single nucleotide variant.
Coding change: c.711G>C on transcript NM_207421.4 (MANE Select); coding-DNA position 711, G replaced by C.
Protein change: p.Leu237=; no amino-acid change (leucine 237 retained).
Molecular consequence: synonymous variant.
Genome position (GRCh38, 1-based): chr1:17,388,412, G>C. VCF-style: chr1-17388412-G-C. GRCh37 (hg19) VCF-style: chr1-17714907-G-C.
Identifiers: ClinVar variation 3036779 (VCV003036779.2), dbSNP rs780710059, ClinGen allele CA18641304.
Genomic context (GRCh38, chr1:17,388,412, plus strand): 5'-GGCTGGTCCATCCCTTCTTTCTCTCCTAGAAGACAACTCCAGTACCTTTGAGTTGGTGCT[G>C]GGGCCCGACCAGCACGCCTATACCTTGGCCCTCCTCGGGAACCACTTGAAGGAGACTTTC-3'
Protein context (NP_997304.3, residues 227-247): KDNSSTFELV[Leu237=]GPDQHAYTLA